The following is an entry in ClinVar:

ClinVar aggregate classification (germline): Uncertain significance (1 of 4 stars; one submission).

Submission:

GeneDx
Classification: Uncertain significance. Last evaluated: 2025-06-12. Review status: criteria provided, single submitter. Criteria: GeneDx Variant Classification Process June 2021. Collection method: clinical testing. Allele origin: germline. Affected: yes.
Comment: Not observed at significant frequency in large population cohorts (gnomAD); In silico analysis supports that this missense variant has a deleterious effect on protein structure/function; Has not been previously published as pathogenic or benign to our knowledge

NM_002249.6(KCNN3):c.863T>A (p.Leu288Gln)

Gene: KCNN3 (potassium calcium-activated channel subfamily N member 3; minus strand). Cytogenetic location: 1q21.3.
Variant type: single nucleotide variant.
Coding change: c.863T>A on transcript NM_002249.6 (MANE Select); coding-DNA position 863, T replaced by A.
Protein change: p.Leu288Gln; replaces leucine 288 with glutamine.
Molecular consequence: missense variant.
Genome position (GRCh38, 1-based): chr1:154,869,102, A>T on the plus strand (T>A on the coding strand, the complement: KCNN3 is on the minus strand). VCF-style: chr1-154869102-A-T. GRCh37 (hg19) VCF-style: chr1-154841578-A-T.
Other names: c.863T>A, p.Leu288Gln (NM_001204087.2); short protein forms L288Q.
Identifiers: ClinVar variation 4537588 (VCV004537588.1).
Genomic context (GRCh38, chr1:154,869,102, plus strand): 5'-AAACCCCAAGAGAGCTCGGTCTCTATCACCATAACAACAATTCCAAACATCCCAAAAATC[A>T]GAGCATAGTCACTCAGTCGCTTTCTCTTTTCAAACAGGGCCCTCCTGTGTCCCAGCTTAT-3'
Protein context (NP_002240.3, residues 278-298): EKRKRLSDYA[Leu288Gln]IFGMFGIVVM